The following is an entry in ClinVar:

NM_144999.4(LRRC45):c.552T>C (p.Val184=)

Gene: LRRC45 (leucine rich repeat containing 45; plus strand). Cytogenetic location: 17q25.3.
Variant type: single nucleotide variant.
Coding change: c.552T>C on transcript NM_144999.4 (MANE Select); coding-DNA position 552, T replaced by C.
Protein change: p.Val184=; no amino-acid change (valine 184 retained).
Molecular consequence: synonymous variant.
Genome position (GRCh38, 1-based): chr17:82,025,398, T>C. VCF-style: chr17-82025398-T-C. GRCh37 (hg19) VCF-style: chr17-79983274-T-C.
Identifiers: ClinVar variation 4987596 (VCV004987596.1).
Genomic context (GRCh38, chr17:82,025,398, plus strand): 5'-GCCAGGTGCATTCTGTCTGGTGACTACAGGTTTCCTTCCAGACCTGCGCTGGAATAACGT[T>C]GGCCTCCTGGGGGGCCGGGCCCTCATGAACTGTCTCCCCAGCAACAGAACCCTGTGGAGA-3'
Protein context (NP_659436.1, residues 174-194): LQQLDLRWNN[Val184=]GLLGGRALMN

ClinVar aggregate classification (germline): Likely benign (1 of 4 stars; one submission).

Conditions:
LRRC45-related disorder. Also called: LRRC45-related condition.

Submission:

PreventionGenetics, part of Exact Sciences
Classification: Likely benign for LRRC45-related condition. Last evaluated: 2025-09-04. Review status: criteria provided, single submitter. Criteria: ACMG Guidelines, 2015. Collection method: clinical testing. Allele origin: germline.
Comment: This variant is classified as likely benign based on ACMG/AMP sequence variant interpretation guidelines (Richards et al. 2015 PMID: 25741868, with internal and published modifications).